The following is an entry in ClinVar:

ClinVar aggregate classification (germline): Uncertain significance (1 of 4 stars; one submission).

Submission:

GeneDx
Classification: Uncertain significance. Last evaluated: 2025-01-31. Review status: criteria provided, single submitter. Criteria: GeneDx Variant Classification Process June 2021. Collection method: clinical testing. Allele origin: germline. Affected: yes.
Comment: Not observed at significant frequency in large population cohorts (gnomAD); In silico analysis indicates that this missense variant does not alter protein structure/function; Has not been previously published as pathogenic or benign to our knowledge

NM_014049.5(ACAD9):c.148A>C (p.Lys50Gln)

Gene: ACAD9 (acyl-CoA dehydrogenase family member 9; plus strand). Cytogenetic location: 3q21.3.
Variant type: single nucleotide variant.
Coding change: c.148A>C on transcript NM_014049.5 (MANE Select); coding-DNA position 148, A replaced by C.
Protein change: p.Lys50Gln; replaces lysine 50 with glutamine.
Molecular consequence: missense variant. On other transcripts: 5 prime UTR variant (1), non-coding transcript variant (1).
Genome position (GRCh38, 1-based): chr3:128,879,839, A>C. VCF-style: chr3-128879839-A-C. GRCh37 (hg19) VCF-style: chr3-128598682-A-C.
Other names: c.-128A>C (NM_001410805.1); short protein forms K50Q.
Identifiers: ClinVar variation 4072665 (VCV004072665.1).
Genomic context (GRCh38, chr3:128,879,839, plus strand): 5'-CTGCGCACCAGCCCGCCTGTACGAGCTTTCGCCAAAGAGCTTTTCCTAGGCAAAATCAAG[A>C]AGGTAACGCGAGCCCTGGGCGAACCCTTGCTGTCTGGCTCCCGCTTTTCACCCTCAGCTG-3'
Protein context (NP_054768.2, residues 40-60): AKELFLGKIK[Lys50Gln]KEVFPFPEVS